The following is an entry in ClinVar:

ClinVar aggregate classification (germline): Uncertain significance (1 of 4 stars; one submission).

Allele frequency attached by ClinVar (database versions not stated): gnomAD exomes below 0.00001.
gnomAD v4.1: 1 of 1,612,688 alleles (0.000062%); highest among the groups gnomAD compares: Non-Finnish European, 0.000085%; no homozygotes.

Submission:

GeneDx
Classification: Uncertain significance. Last evaluated: 2025-02-16. Review status: criteria provided, single submitter. Criteria: GeneDx Variant Classification Process June 2021. Collection method: clinical testing. Allele origin: germline. Affected: yes.
Comment: Reported in the published literature in a patient with developmental delay, autism, and aggressive behaviors (PMID: 33394247); Not observed at significant frequency in large population cohorts (gnomAD); In silico analysis supports that this missense variant has a deleterious effect on protein structure/function; This variant is associated with the following publications: (PMID: 33394247)

NM_004958.4(MTOR):c.7628T>C (p.Ile2543Thr)

Gene: MTOR (mechanistic target of rapamycin kinase; minus strand). Cytogenetic location: 1p36.22.
Variant type: single nucleotide variant.
Coding change: c.7628T>C on transcript NM_004958.4 (MANE Select); coding-DNA position 7628, T replaced by C.
Protein change: p.Ile2543Thr; replaces isoleucine 2543 with threonine.
Molecular consequence: missense variant.
Genome position (GRCh38, 1-based): chr1:11,108,187, A>G on the plus strand (T>C on the coding strand, the complement: MTOR is on the minus strand). VCF-style: chr1-11108187-A-G. GRCh37 (hg19) VCF-style: chr1-11168244-A-G.
Other names: c.7628T>C, p.Ile2543Thr (NM_001386500.1); c.6380T>C, p.Ile2127Thr (NM_001386501.1); short protein forms I2127T, I2543T.
Identifiers: ClinVar variation 1307206 (VCV001307206.3), dbSNP rs2100279708, ClinGen allele CA338377851.